The following is an entry in ClinVar:

ClinVar aggregate classification (germline): Uncertain significance. Review status: criteria provided, multiple submitters, no conflicts (2 of 4 stars). 3 submissions from 3 submitters: Uncertain significance (2). 1 of the submissions does not count toward it. Last evaluated 2022-10-06.

Conditions:
Fanconi anemia complementation group Q. Identifiers: Orphanet 84, MedGen C3808988, MONDO:0014108, OMIM 615272.
Xeroderma pigmentosum, group F (XPF). Also called: XERODERMA PIGMENTOSUM VI; XP, GROUP F; XERODERMA PIGMENTOSUM, TYPE F; Xeroderma pigmentosum, type 6; XERODERMA PIGMENTOSUM, COMPLEMENTATION GROUP F; ERCC4-Related Xeroderma Pigmentosum. Identifiers: MedGen C0268140, MONDO:0010215, OMIM 278760.
Cockayne syndrome. Identifiers: Orphanet 191, MedGen C0009207, MONDO:0016006.
Inborn genetic diseases. Identifiers: MedGen C0950123, MeSH D030342.

Allele frequency attached by ClinVar (database versions not stated): gnomAD 0.00001; gnomAD exomes 0.00001 and 0.00002; ExAC 0.00002; TOPMed 0.00002.

Submissions (3):

Ambry Genetics
Classification: Uncertain significance for Inborn genetic diseases. Last evaluated: 2022-10-06. Review status: criteria provided, single submitter. Criteria: Ambry Variant Classification Scheme 2023. Collection method: clinical testing. Allele origin: germline.

Labcorp Genetics (formerly Invitae), Labcorp
Classification: Uncertain significance for Fanconi anemia complementation group Q; Xeroderma pigmentosum, group F; Cockayne syndrome. Last evaluated: 2021-10-01. Review status: criteria provided, single submitter. Criteria: Invitae Variant Classification Sherloc (09022015). Collection method: clinical testing. Allele origin: germline.
Comment: This sequence change replaces arginine with histidine at codon 515 of the ERCC4 protein (p.Arg515His). The arginine residue is weakly conserved and there is a small physicochemical difference between arginine and histidine. This variant is present in population databases (rs766111215, ExAC 0.02%). This variant has not been reported in the literature in individuals affected with ERCC4-related conditions. ClinVar contains an entry for this variant (Variation ID: 1048866). Algorithms developed to predict the effect of missense changes on protein structure and function output the following: SIFT: "Tolerated"; PolyPhen-2: "Benign"; Align-GVGD: "Class C0". The histidine amino acid residue is found in multiple mammalian species, which suggests that this missense change does not adversely affect protein function. In summary, the available evidence is currently insufficient to determine the role of this variant in disease. Therefore, it has been classified as a Variant of Uncertain Significance.

Department of Pathology and Laboratory Medicine, Sinai Health System
Classification: Uncertain significance. Review status: no assertion criteria provided. Collection method: clinical testing. Allele origin: unknown. Affected: yes. Study: The Canadian Open Genetics Repository (COGR). Not counted in ClinVar's aggregate classification.
Comment: The ERCC4 p.R515H variant was not identified in the literature nor was it identified in COSMIC or ClinVar. The variant was identified in dbSNP (ID: rs766111215) and in control databases in 3 of 251160 chromosomes at a frequency of 0.00001194 (Genome Aggregation Database March 6, 2019, v2.1.1). The p.R515 residue is not conserved in mammals and computational analyses (MUT Assesor, PolyPhen-2, SIFT, MutationTaster, Revel, FATHMM, MetaLR, DANN) do not suggest a high likelihood of impact to the protein; this information is not predictive enough to rule out pathogenicity. The variant occurs outside of the splicing consensus sequence and in silico or computational prediction software programs (Splice AI exome) do not predict a deleterious effect on splicing. In summary, based on the above information the clinical significance of this variant cannot be determined with certainty at this time. This variant is classified as a variant of uncertain significance.

NM_005236.3(ERCC4):c.1544G>A (p.Arg515His)

Gene: ERCC4 (ERCC excision repair 4, endonuclease catalytic subunit; plus strand). Cytogenetic location: 16p13.12.
Variant type: single nucleotide variant.
Coding change: c.1544G>A on transcript NM_005236.3 (MANE Select); coding-DNA position 1544, G replaced by A.
Protein change: p.Arg515His; replaces arginine 515 with histidine.
Molecular consequence: missense variant.
Genome position (GRCh38, 1-based): chr16:13,935,476, G>A. VCF-style: chr16-13935476-G-A. GRCh37 (hg19) VCF-style: chr16-14029333-G-A.
Other names: c.1544G>A (NM_005236.2); short protein forms R515H.
Identifiers: ClinVar variation 1048866 (VCV001048866.5), dbSNP rs766111215, ClinGen allele CA7910492.